The following is an entry in ClinVar:

NM_006941.4(SOX10):c.482G>A (p.Arg161His)

Genes: POLR2F (RNA polymerase II, I and III subunit F; plus strand), SOX10 (SRY-box transcription factor 10; minus strand). Cytogenetic location: 22q13.1.
Variant type: single nucleotide variant.
Coding change: c.482G>A on transcript NM_006941.4 (MANE Select); coding-DNA position 482, G replaced by A.
Protein change: p.Arg161His; replaces arginine 161 with histidine.
Molecular consequence: missense variant. On other transcripts: intron variant (3).
Genome position (GRCh38, 1-based): chr22:37,978,082, C>T on the plus strand (G>A on the coding strand, the complement: SOX10 is on the minus strand). VCF-style: chr22-37978082-C-T. GRCh37 (hg19) VCF-style: chr22-38374089-C-T.
Other names: c.*38+5772C>T (NM_001363825.1); c.294-8072C>T (NM_001301130.2); c.293+10912C>T (NM_001301131.2); short protein forms R161H.
Identifiers: ClinVar variation 873468 (VCV000873468.15), dbSNP rs750566714, ClinGen allele CA10228669.
Genomic context (GRCh38, chr22:37,978,082, plus strand): 5'-CCGTTCTTCCGCCGCCTGGGCTGGTACTTGTAGTCCGGGTGGTCTTTCTTGTGCTGCATA[C>T]GGAGCCGCTCAGCCTCCTCGATGAAGGGGCGCTTGTCACTTTCGTTCAGCAGCCTGGGGT-3'
Protein context (NP_008872.1, residues 151-171): RPFIEEAERL[Arg161His]MQHKKDHPDY

ClinVar aggregate classification (germline): Conflicting classifications of pathogenicity. Review status: criteria provided, conflicting classifications (1 of 4 stars). 6 submissions from 6 submitters: Pathogenic (1); Likely pathogenic (3); Uncertain significance (2). Last evaluated 2025-07-29.

Conditions:
Waardenburg syndrome type 2E (WS2E). Also called: HYPOGONADOTROPIC HYPOGONADISM WITH ANOSMIA AND DEAFNESS, WITH OR WITHOUT HYPOPIGMENTATION; WAARDENBURG SYNDROME, TYPE 2E, WITH OR WITHOUT NEUROLOGIC INVOLVEMENT; WS2E, WITH OR WITHOUT NEUROLOGIC INVOLVEMENT. Identifiers: Orphanet 3440, MedGen C2700405, MONDO:0012698, OMIM 611584.

Allele frequency attached by ClinVar (database versions not stated): gnomAD 0.00001; gnomAD exomes below 0.00001; TOPMed below 0.00001; ExAC 0.00001.
gnomAD v4.1: 2 of 1,602,006 alleles (0.00012%); highest among the groups gnomAD compares: African/African-American, 0.0013%; no homozygotes.

Submissions (6):

Labcorp Genetics (formerly Invitae), Labcorp
Classification: Uncertain significance. Last evaluated: 2025-07-29. Review status: criteria provided, single submitter. Criteria: Invitae Variant Classification Sherloc (09022015). Collection method: clinical testing. Allele origin: germline.
Comment: This sequence change replaces arginine, which is basic and polar, with histidine, which is basic and polar, at codon 161 of the SOX10 protein (p.Arg161His). The frequency data for this variant in the population databases is considered unreliable, as metrics indicate poor data quality at this position in the gnomAD database. This missense change has been observed in individual(s) with clinical features of Waardenburg syndrome (PMID: 21898658, 28000701, 34142234). ClinVar contains an entry for this variant (Variation ID: 873468). Invitae Evidence Modeling of protein sequence and biophysical properties (such as structural, functional, and spatial information, amino acid conservation, physicochemical variation, residue mobility, and thermodynamic stability) indicates that this missense variant is expected to disrupt SOX10 protein function with a positive predictive value of 95%. Experimental studies have shown that this missense change affects SOX10 function (PMID: 21898658). This variant disrupts the p.Arg161 amino acid residue in SOX10. Other variant(s) that disrupt this residue have been determined to be pathogenic (PMID: 25077900, 27562378, 32908489). This suggests that this residue is clinically significant, and that variants that disrupt this residue are likely to be disease-causing. In summary, the available evidence is currently insufficient to determine the role of this variant in disease. Therefore, it has been classified as a Variant of Uncertain Significance.

GeneDx
Classification: Likely pathogenic. Last evaluated: 2024-12-27. Review status: criteria provided, single submitter. Criteria: GeneDx Variant Classification Process June 2021. Collection method: clinical testing. Allele origin: germline. Affected: yes.
Comment: Not observed at significant frequency in large population cohorts (gnomAD); In silico analysis supports that this missense variant has a deleterious effect on protein structure/function; This variant is associated with the following publications: (PMID: 21898658, 32853555, 36672963, 34142234, 33865100, 33442024, 33597575, 31152317)

Institute of Human Genetics, University of Leipzig Medical Center
Classification: Likely pathogenic for Waardenburg syndrome type 2E. Last evaluated: 2024-01-03. Review status: criteria provided, single submitter. Criteria: ACMG Guidelines, 2015. Collection method: clinical testing. Allele origin: paternal. Inheritance: Autosomal dominant inheritance. Affected: yes.
Comment: Criteria applied: PM1,PM2,PM5,PP3,PS2,PS4

Women's Health and Genetics/Laboratory Corporation of America, LabCorp
Classification: Likely pathogenic for Waardenburg syndrome type 2E. Last evaluated: 2023-02-23. Review status: criteria provided, single submitter. Criteria: LabCorp Variant Classification Summary - May 2015. Collection method: clinical testing. Allele origin: germline.
Comment: Variant summary: SOX10 c.482G>A (p.Arg161His) results in a non-conservative amino acid change located in the High mobility group box domain (IPR009071) of the encoded protein sequence. Four of five in-silico tools predict a damaging effect of the variant on protein function. The variant allele was found at a frequency of 4.2e-06 in 237008 control chromosomes (gnomAD). c.482G>A has been reported in the literature in one individual affected with Waardenburg syndrome 2 (Chaoui_2011) and individuals affected with hearing loss (Zazo Seco_2016, Roman_2020, Wang_2021), including one de novo occurrence (Zazo Seco_2016). These data indicate that the variant is likely to be associated with disease. At least one functional study reports this variant results in activating the Cx32 promoter in a manner similar to that of the wild-type protein, but reducing its activity on MITF prmoter and RET enchancer and partially protein redistributed in the cytoplasm. Three ClinVar submitters (evaluation after 2014) cite this variant as uncertain significance, likely pathogenic and pathogenic. Based on the evidence outlined above, the variant was classified as likely pathogenic.

Genetic Testing Center for Deafness, Department of Otolaryngology Head & Neck Surgery, Institute of Otolaryngology, Chinese PLA General Hospital
Classification: Pathogenic for Waardenburg syndrome type 2E. Last evaluated: 2019-01-01. Review status: criteria provided, single submitter. Criteria: ACMG Guidelines, 2015. Collection method: clinical testing. Allele origin: inherited. Affected: yes.

UNC Molecular Genetics  Laboratory, University of North Carolina at Chapel Hill
Classification: Uncertain significance for Waardenburg syndrome type 2E. Review status: criteria provided, single submitter. Criteria: ACMG Guidelines, 2015. Collection method: research. Allele origin: paternal. Affected: yes. Observed: 1 variant allele. Study: NSIGHT-NC NEXUS.
Comment: This SOX10 c.482G>A (p.R161H) variant has been reported previously in one individual with Waardenburg syndrome 2 (PMID: 21898658).

Literature cited by the submitters: PubMed 21898658 (cited by 3 submitters); PubMed 28000701 (cited by Labcorp Genetics (formerly Invitae), Labcorp and Women's Health and Genetics/Laboratory Corporation of America, LabCorp); PubMed 34142234 (cited by Labcorp Genetics (formerly Invitae), Labcorp and Women's Health and Genetics/Laboratory Corporation of America, LabCorp); PubMed 25077900 (cited by Labcorp Genetics (formerly Invitae), Labcorp); PubMed 27562378 (cited by Labcorp Genetics (formerly Invitae), Labcorp); PubMed 32908489 (cited by Labcorp Genetics (formerly Invitae), Labcorp and Women's Health and Genetics/Laboratory Corporation of America, LabCorp); PubMed 31152317 (cited by Women's Health and Genetics/Laboratory Corporation of America, LabCorp); PubMed 33597575 (cited by Women's Health and Genetics/Laboratory Corporation of America, LabCorp); PubMed 32853555 (cited by Women's Health and Genetics/Laboratory Corporation of America, LabCorp); PubMed 27240497 (cited by Women's Health and Genetics/Laboratory Corporation of America, LabCorp); PubMed 33865100 (cited by Women's Health and Genetics/Laboratory Corporation of America, LabCorp); PubMed 33442024 (cited by Women's Health and Genetics/Laboratory Corporation of America, LabCorp).